The following is an entry in ClinVar:

ClinVar aggregate classification (germline): Uncertain significance. Review status: criteria provided, multiple submitters, no conflicts (2 of 4 stars). 2 submissions from 2 submitters: Uncertain significance (2). Last evaluated 2024-10-25.

Conditions:
Inborn genetic diseases. Identifiers: MedGen C0950123, MeSH D030342.
COG7 congenital disorder of glycosylation (CDG2E). Also called: CONGENITAL DISORDER OF GLYCOSYLATION, TYPE IIe; CDG IIe. Identifiers: Orphanet 79333, MedGen C2931010, MONDO:0012118, OMIM 608779.

Allele frequency attached by ClinVar (database versions not stated): gnomAD 0.00001; TOPMed 0.00006.
gnomAD v4.1: 2 of 1,613,914 alleles (0.00012%); highest among the groups gnomAD compares: Admixed American, 0.0017%; no homozygotes.

Submissions (2):

Ambry Genetics
Classification: Uncertain significance for Inborn genetic diseases. Last evaluated: 2024-10-25. Review status: criteria provided, single submitter. Criteria: Ambry Variant Classification Scheme 2023. Collection method: clinical testing. Allele origin: germline.

Labcorp Genetics (formerly Invitae), Labcorp
Classification: Uncertain significance for COG7 congenital disorder of glycosylation. Last evaluated: 2022-06-27. Review status: criteria provided, single submitter. Criteria: Invitae Variant Classification Sherloc (09022015). Collection method: clinical testing. Allele origin: germline.
Comment: This variant is not present in population databases (gnomAD no frequency). This variant has not been reported in the literature in individuals affected with COG7-related conditions. Algorithms developed to predict the effect of missense changes on protein structure and function are either unavailable or do not agree on the potential impact of this missense change (SIFT: "Deleterious"; PolyPhen-2: "Benign"; Align-GVGD: "Class C0"). In summary, the available evidence is currently insufficient to determine the role of this variant in disease. Therefore, it has been classified as a Variant of Uncertain Significance. This sequence change replaces isoleucine, which is neutral and non-polar, with methionine, which is neutral and non-polar, at codon 265 of the COG7 protein (p.Ile265Met).

NM_153603.4(COG7):c.795C>G (p.Ile265Met)

Gene: COG7 (component of oligomeric golgi complex 7; minus strand). Cytogenetic location: 16p12.2.
Variant type: single nucleotide variant.
Coding change: c.795C>G on transcript NM_153603.4 (MANE Select); coding-DNA position 795, C replaced by G.
Protein change: p.Ile265Met; replaces isoleucine 265 with methionine.
Molecular consequence: missense variant.
Genome position (GRCh38, 1-based): chr16:23,433,560, G>C on the plus strand (C>G on the coding strand, the complement: COG7 is on the minus strand). VCF-style: chr16-23433560-G-C. GRCh37 (hg19) VCF-style: chr16-23444881-G-C.
Other names: c.795C>G (NM_153603.3); short protein forms I265M.
Identifiers: ClinVar variation 2190834 (VCV002190834.4), dbSNP rs779734999, ClinGen allele CA395114834.
Genomic context (GRCh38, chr16:23,433,560, plus strand): 5'-GTCACCACAGACTCTGTTCTCCCTAGAACAAAAATGAGCTGTTACCTGTGTAGCCCACTG[G>C]ATTTGTGTGTGCCAAGCACCAAGCAAGGCATCATAGAGTCCGGTAAGCTGCCGGTCCAGG-3'
Protein context (NP_705831.1, residues 255-275): DALLGAWHTQ[Ile265Met]QWATQVFQKP